The following is an entry in ClinVar:

NM_018060.4(IARS2):c.267+4C>T

Gene: IARS2 (isoleucyl-tRNA synthetase 2, mitochondrial; plus strand). Cytogenetic location: 1q41.
Variant type: single nucleotide variant.
Coding change: c.267+4C>T on transcript NM_018060.4 (MANE Select); 4 bases into the intron after coding-DNA position 267, C replaced by T.
Molecular consequence: intron variant.
Genome position (GRCh38, 1-based): chr1:220,094,487, C>T. VCF-style: chr1-220094487-C-T. GRCh37 (hg19) VCF-style: chr1-220267829-C-T.
Other names: c.267+4C>T (NM_018060.3).
Identifiers: ClinVar variation 4940744 (VCV004940744.2).
Genomic context (GRCh38, chr1:220,094,487, plus strand): 5'-TTCCCCATGAAGCTGCTGGGCCGCCAGCAGCCGGACACGGAGCTGGAGATCCAGCAGGTA[C>T]GGGCCCCGCCTCGGCGCGGGGCCTCCAGAGAGGCCCGATCCGGCCGCGGGCACCGGGCGC-3'

ClinVar aggregate classification (germline): Likely benign. Review status: criteria provided, multiple submitters, no conflicts (2 of 4 stars). 2 submissions from 2 submitters: Likely benign (2). Last evaluated 2025-12-23.

Conditions:
IARS2-related disorder. Also called: IARS2-related condition.

gnomAD v4.1: 29 of 1,587,594 alleles (0.0018%); highest among the groups gnomAD compares: Middle Eastern, 0.095%; no homozygotes.

Submissions (2):

PreventionGenetics, part of Exact Sciences
Classification: Likely benign for IARS2-related condition. Last evaluated: 2025-12-23. Review status: criteria provided, single submitter. Criteria: ACMG Guidelines, 2015. Collection method: clinical testing. Allele origin: germline.
Comment: This variant is classified as likely benign based on ACMG/AMP sequence variant interpretation guidelines (Richards et al. 2015 PMID: 25741868, with internal and published modifications).

Blueprint Genetics
Classification: Likely benign. Last evaluated: 2024-02-22. Review status: criteria provided, single submitter. Criteria: ACMG Guidelines, 2015. Collection method: clinical testing. Allele origin: germline.